The following is an entry in ClinVar:

ClinVar aggregate classification (germline): Pathogenic/Likely pathogenic. Review status: criteria provided, multiple submitters, no conflicts (2 of 4 stars). 2 submissions from 2 submitters: Pathogenic (1); Likely pathogenic (1). Last evaluated 2021-08-31.

Conditions:
Intellectual developmental disorder, X-linked 30. Also called: MENTAL RETARDATION, X-LINKED 47; Intellectual disability, X-linked 30. Identifiers: Orphanet 777, MedGen C0796237, MONDO:0010361, OMIM 300558.

Submissions (2):

Labcorp Genetics (formerly Invitae), Labcorp
Classification: Pathogenic. Last evaluated: 2021-08-31. Review status: criteria provided, single submitter. Criteria: Invitae Variant Classification Sherloc (09022015). Collection method: clinical testing. Allele origin: germline.
Comment: ClinVar contains an entry for this variant (Variation ID: 1172599). This variant has not been reported in the literature in individuals affected with PAK3-related conditions. This variant is not present in population databases (ExAC no frequency). This sequence change creates a premature translational stop signal (p.Glu356*) in the PAK3 gene. It is expected to result in an absent or disrupted protein product. Loss-of-function variants in PAK3 are known to be pathogenic (PMID: 9731525, 18523455). For these reasons, this variant has been classified as Pathogenic.

Equipe Genetique des Anomalies du Developpement, Université de Bourgogne
Classification: Likely pathogenic for Intellectual developmental disorder, X-linked 30. Review status: criteria provided, single submitter. Criteria: ACMG Guidelines, 2015. Collection method: clinical testing. Allele origin: maternal. Affected: yes.

Literature cited by the submitters: PubMed 9731525 (cited by Labcorp Genetics (formerly Invitae), Labcorp); PubMed 18523455 (cited by Labcorp Genetics (formerly Invitae), Labcorp).

NM_002578.5(PAK3):c.1066G>T (p.Glu356Ter)

Gene: PAK3 (p21 (RAC1) activated kinase 3; plus strand). Cytogenetic location: Xq23.
Variant type: single nucleotide variant.
Coding change: c.1066G>T on transcript NM_002578.5 (MANE Select); coding-DNA position 1066, G replaced by T.
Protein change: p.Glu356Ter; replaces glutamic acid 356 with a stop codon.
Molecular consequence: nonsense. On other transcripts: non-coding transcript variant (2).
Genome position (GRCh38, 1-based): chrX:111,194,374, G>T. VCF-style: chrX-111194374-G-T. GRCh37 (hg19) VCF-style: chrX-110437602-G-T.
Other names: c.1066G>T, p.Glu356Ter (NM_001128166.3, NM_001128167.3, NM_001324325.2 and 5 more transcripts); c.1174G>T, p.Glu392Ter (NM_001128168.3); c.1129G>T, p.Glu377Ter (NM_001128172.2); c.1111G>T, p.Glu371Ter (NM_001128173.3, NM_001324327.2, NM_001324328.2 and 2 more transcripts); short protein forms E356*, E371*, E377*, E392*.
Identifiers: ClinVar variation 1172599 (VCV001172599.7), dbSNP rs2149325212, ClinGen allele CA414238179.